The following is an entry in ClinVar:

ClinVar aggregate classification (germline): Uncertain significance (1 of 4 stars; one submission).

Allele frequency attached by ClinVar (database versions not stated): gnomAD 0.00001 and 0.00003; TOPMed 0.00002; gnomAD exomes 0.00007; ExAC 0.00010; 1000 Genomes Project 30x 0.00016; 1000 Genomes Project 0.00020.
gnomAD v4.1: 65 of 1,570,562 alleles (0.0041%); highest among the groups gnomAD compares: South Asian, 0.038%; no homozygotes.

Submission:

GeneDx
Classification: Uncertain significance. Last evaluated: 2019-04-29. Review status: criteria provided, single submitter. Criteria: GeneDx Variant Classification Process June 2021. Collection method: clinical testing. Allele origin: germline. Affected: yes.
Comment: In silico analysis, which includes protein predictors and evolutionary conservation, supports a deleterious effect; Has not been previously published as pathogenic or benign to our knowledge

NM_015278.5(SASH1):c.1477G>A (p.Asp493Asn)

Gene: SASH1 (SAM and SH3 domain containing 1; plus strand). Cytogenetic location: 6q25.1.
Variant type: single nucleotide variant.
Coding change: c.1477G>A on transcript NM_015278.5 (MANE Select); coding-DNA position 1477, G replaced by A.
Protein change: p.Asp493Asn; replaces aspartic acid 493 with asparagine.
Molecular consequence: missense variant.
Genome position (GRCh38, 1-based): chr6:148,531,574, G>A. VCF-style: chr6-148531574-G-A. GRCh37 (hg19) VCF-style: chr6-148852710-G-A.
Other names: c.1342G>A, p.Asp448Asn (NM_001346505.2); c.1105G>A, p.Asp369Asn (NM_001346506.2); c.760G>A, p.Asp254Asn (NM_001346507.2); c.1249G>A, p.Asp417Asn (NM_001346508.2); c.1126G>A, p.Asp376Asn (NM_001346509.2); short protein forms D254N, D369N, D376N, D417N, D448N, D493N.
Identifiers: ClinVar variation 1305316 (VCV001305316.2), dbSNP rs568821598, ClinGen allele CA4040337.